The following is an entry in ClinVar:

ClinVar aggregate classification (germline): Uncertain significance (1 of 4 stars; one submission).

Submission:

GeneDx
Classification: Uncertain significance. Last evaluated: 2026-03-07. Review status: criteria provided, single submitter. Criteria: GeneDx Variant Classification Process June 2021. Collection method: clinical testing. Allele origin: germline.
Comment: Not observed at significant frequency in large population cohorts (gnomAD); In silico analysis supports that this missense variant has a deleterious effect on protein structure/function; Has not been previously published as pathogenic or benign to our knowledge

NM_014991.6(WDFY3):c.4925T>C (p.Leu1642Pro)

Gene: WDFY3 (WD repeat and FYVE domain containing 3; minus strand). Cytogenetic location: 4q21.23.
Variant type: single nucleotide variant.
Coding change: c.4925T>C on transcript NM_014991.6 (MANE Select); coding-DNA position 4925, T replaced by C.
Protein change: p.Leu1642Pro; replaces leucine 1642 with proline.
Molecular consequence: missense variant.
Genome position (GRCh38, 1-based): chr4:84,766,297, A>G on the plus strand (T>C on the coding strand, the complement: WDFY3 is on the minus strand). VCF-style: chr4-84766297-A-G. GRCh37 (hg19) VCF-style: chr4-85687450-A-G.
Other names: short protein forms L1642P.
Identifiers: ClinVar variation 5008794 (VCV005008794.1).